The following is an entry in ClinVar:

NM_004055.5(CAPN5):c.175G>A (p.Glu59Lys)

Gene: CAPN5 (calpain 5; plus strand). Cytogenetic location: 11q13.5.
Variant type: single nucleotide variant.
Coding change: c.175G>A on transcript NM_004055.5 (MANE Select); coding-DNA position 175, G replaced by A.
Protein change: p.Glu59Lys; replaces glutamic acid 59 with lysine.
Molecular consequence: missense variant.
Genome position (GRCh38, 1-based): chr11:77,093,691, G>A. VCF-style: chr11-77093691-G-A. GRCh37 (hg19) VCF-style: chr11-76804737-G-A.
Other names: short protein forms E59K.
Identifiers: ClinVar variation 970472 (VCV000970472.11), dbSNP rs1333223218, ClinGen allele CA381930884.

ClinVar aggregate classification (germline): Conflicting classifications of pathogenicity. Review status: criteria provided, conflicting classifications (1 of 4 stars). 3 submissions from 3 submitters: Uncertain significance (2); Likely benign (1). Last evaluated 2025-08-07.

Conditions:
Inborn genetic diseases. Identifiers: MedGen C0950123, MeSH D030342.

Allele frequency attached by ClinVar (database versions not stated): gnomAD 0.00003 and 0.00004; gnomAD exomes 0.00003 and 0.00005; TOPMed 0.00003.
gnomAD v4.1: 50 of 1,594,414 alleles (0.0031%); highest among the groups gnomAD compares: East Asian, 0.018%; no homozygotes.

Submissions (3):

Labcorp Genetics (formerly Invitae), Labcorp
Classification: Uncertain significance. Last evaluated: 2025-08-07. Review status: criteria provided, single submitter. Criteria: Invitae Variant Classification Sherloc (09022015). Collection method: clinical testing. Allele origin: germline.
Comment: This sequence change replaces glutamic acid, which is acidic and polar, with lysine, which is basic and polar, at codon 59 of the CAPN5 protein (p.Glu59Lys). This variant is present in population databases (no rsID available, gnomAD 0.03%). This variant has not been reported in the literature in individuals affected with CAPN5-related conditions. ClinVar contains an entry for this variant (Variation ID: 970472). Invitae Evidence Modeling of protein sequence and biophysical properties (such as structural, functional, and spatial information, amino acid conservation, physicochemical variation, residue mobility, and thermodynamic stability) indicates that this missense variant is not expected to disrupt CAPN5 protein function with a negative predictive value of 80%. In summary, the available evidence is currently insufficient to determine the role of this variant in disease. Therefore, it has been classified as a Variant of Uncertain Significance.

Ambry Genetics
Classification: Uncertain significance for Inborn genetic diseases. Last evaluated: 2025-07-15. Review status: criteria provided, single submitter. Criteria: Ambry Variant Classification Scheme 2023. Collection method: clinical testing. Allele origin: germline.

Blueprint Genetics
Classification: Likely benign. Last evaluated: 2021-09-01. Review status: criteria provided, single submitter. Criteria: ACMG Guidelines, 2015. Collection method: clinical testing. Allele origin: germline.